The following is an entry in ClinVar:

ClinVar aggregate classification (germline): Uncertain significance. Review status: criteria provided, multiple submitters, no conflicts (2 of 4 stars). 2 submissions from 2 submitters: Uncertain significance (2). Last evaluated 2025-12-19.

Allele frequency attached by ClinVar (database versions not stated): 1000 Genomes Project 30x 0.00047; 1000 Genomes Project 0.00060; gnomAD exomes 0.00002; TOPMed 0.00002; gnomAD 0.00004; ExAC 0.00006.
gnomAD v4.1: 34 of 1,613,390 alleles (0.0021%); highest among the groups gnomAD compares: South Asian, 0.022%; no homozygotes.

Submissions (2):

Ambry Genetics
Classification: Uncertain significance. Last evaluated: 2025-12-19. Review status: criteria provided, single submitter. Criteria: Ambry Variant Classification Scheme 2023. Collection method: clinical testing. Allele origin: germline.
Comment: The c.3422G>A (p.R1141H) alteration is located in exon 22 (coding exon 22) of the CACNA1B gene. This alteration results from a G to A substitution at nucleotide position 3422, causing the arginine (R) at amino acid position 1141 to be replaced by a histidine (H). Based on data from gnomAD, the A allele has an overall frequency of 0.004% (12/280036) total alleles studied. The highest observed frequency was 0.016% (5/30580) of South Asian alleles. Based on insufficient or conflicting evidence, the clinical significance of this alteration remains unclear.

Labcorp Genetics (formerly Invitae), Labcorp
Classification: Uncertain significance. Last evaluated: 2022-04-21. Review status: criteria provided, single submitter. Criteria: Invitae Variant Classification Sherloc (09022015). Collection method: clinical testing. Allele origin: germline.
Comment: This sequence change replaces arginine, which is basic and polar, with histidine, which is basic and polar, at codon 1141 of the CACNA1B protein (p.Arg1141His). This variant is present in population databases (rs199841462, gnomAD 0.02%). This variant has not been reported in the literature in individuals affected with CACNA1B-related conditions. Advanced modeling of protein sequence and biophysical properties (such as structural, functional, and spatial information, amino acid conservation, physicochemical variation, residue mobility, and thermodynamic stability) performed at Invitae indicates that this missense variant is not expected to disrupt CACNA1B protein function. In summary, the available evidence is currently insufficient to determine the role of this variant in disease. Therefore, it has been classified as a Variant of Uncertain Significance.

NM_000718.4(CACNA1B):c.3422G>A (p.Arg1141His)

Gene: CACNA1B (calcium voltage-gated channel subunit alpha1 B; plus strand). Cytogenetic location: 9q34.3.
Variant type: single nucleotide variant.
Coding change: c.3422G>A on transcript NM_000718.4 (MANE Select); coding-DNA position 3422, G replaced by A.
Protein change: p.Arg1141His; replaces arginine 1141 with histidine.
Molecular consequence: missense variant.
Genome position (GRCh38, 1-based): chr9:138,046,912, G>A. VCF-style: chr9-138046912-G-A. GRCh37 (hg19) VCF-style: chr9-140941364-G-A.
Other names: c.3422G>A (NM_000718.3); c.3422G>A, p.Arg1141His (NM_001243812.2); short protein forms R1141H.
Identifiers: ClinVar variation 2413569 (VCV002413569.4), dbSNP rs199841462, ClinGen allele CA5376682.